The following is an entry in ClinVar:

ClinVar aggregate classification (germline): Uncertain significance (1 of 4 stars; one submission).

Conditions:
Bethlem myopathy 1A. Also called: MYOPATHY, BENIGN CONGENITAL, WITH CONTRACTURES; Bethlem myopathy 1; Bethlem Muscular Dystrophy. Identifiers: Orphanet 610, MedGen CN029274, MONDO:0024530, OMIM 158810.

Allele frequency attached by ClinVar (database versions not stated): gnomAD exomes 0.00001; ExAC 0.00001.
gnomAD v4.1: 4 of 1,612,768 alleles (0.00025%); highest among the groups gnomAD compares: Non-Finnish European, 0.00034%; no homozygotes.

Submission:

Labcorp Genetics (formerly Invitae), Labcorp
Classification: Uncertain significance for Bethlem myopathy 1A. Last evaluated: 2022-03-24. Review status: criteria provided, single submitter. Criteria: Invitae Variant Classification Sherloc (09022015). Collection method: clinical testing. Allele origin: germline.
Comment: This sequence change replaces glutamine, which is neutral and polar, with arginine, which is basic and polar, at codon 477 of the COL6A2 protein (p.Gln477Arg). This variant is present in population databases (rs775361993, gnomAD 0.003%). This variant has not been reported in the literature in individuals affected with COL6A2-related conditions. Advanced modeling of protein sequence and biophysical properties (such as structural, functional, and spatial information, amino acid conservation, physicochemical variation, residue mobility, and thermodynamic stability) performed at Invitae indicates that this missense variant is not expected to disrupt COL6A2 protein function. In summary, the available evidence is currently insufficient to determine the role of this variant in disease. Therefore, it has been classified as a Variant of Uncertain Significance.

NM_001849.4(COL6A2):c.1430A>G (p.Gln477Arg)

Gene: COL6A2 (collagen type VI alpha 2 chain; plus strand). Cytogenetic location: 21q22.3.
Variant type: single nucleotide variant.
Coding change: c.1430A>G on transcript NM_001849.4 (MANE Select); coding-DNA position 1430, A replaced by G.
Protein change: p.Gln477Arg; replaces glutamine 477 with arginine.
Molecular consequence: missense variant.
Genome position (GRCh38, 1-based): chr21:46,121,095, A>G. VCF-style: chr21-46121095-A-G. GRCh37 (hg19) VCF-style: chr21-47541009-A-G.
Other names: c.1430A>G, p.Gln477Arg (NM_058174.3, NM_058175.3); short protein forms Q477R.
Identifiers: ClinVar variation 1991415 (VCV001991415.4), dbSNP rs775361993, ClinGen allele CA10071872.
Genomic context (GRCh38, chr21:46,121,095, plus strand): 5'-CCCCAAATTCCTCCCCTTTCTTCCAGGGAGACCGAGGCTTGCCTGGACCCAGAGGCCCCC[A>G]GGGAGCTCTTGGGGAGCCCGGAAAGCAGGTCAGTGTCAGTGCAGGAGGCCGGTGCCCTCT-3'
Protein context (NP_001840.3, residues 467-487): DRGLPGPRGP[Gln477Arg]GALGEPGKQG